The following is an entry in ClinVar:

ClinVar aggregate classification (germline): Pathogenic. Review status: criteria provided, multiple submitters, no conflicts (2 of 4 stars). 3 submissions from 3 submitters: Pathogenic (3). Last evaluated 2025-04-14.

Conditions:
Retinitis pigmentosa 39 (RP39). Identifiers: Orphanet 791, MedGen C3151138, MONDO:0013436, OMIM 613809.
Usher syndrome type 2A. Also called: RETINAL DISEASE IN USHER SYNDROME TYPE IIA, MODIFIER OF; USHER SYNDROME, TYPE IIA. Identifiers: Orphanet 231178, Orphanet 886, MedGen C1848634, MONDO:0010169, OMIM 276901.

Submissions (3):

Natera, Inc.
Classification: Pathogenic for Usher syndrome type 2A. Last evaluated: 2025-04-14. Review status: criteria provided, single submitter. Criteria: Natera Variant Classification Schema (03/2026). Collection method: clinical testing. Allele origin: germline.
Comment: The c.2310dupA variant in USH2A is a frameshift variant predicted to shift the reading frame beginning at codon 771 and leads to a stop codon 8 codons downstream. This variant is expected to result in nonsense mediated decay, truncation, or a dysfunctional protein product. This variant is rare in the general population with a frequency below the threshold expected for the associated phenotype(s). This variant has been observed in one or more individuals affected with the associated recessive disease, as either homozygous or compound heterozygous with a second variant (PMID: 32188678). Given the available evidence, this variant is classified as Pathogenic.

Baylor Genetics
Classification: Pathogenic for Retinitis pigmentosa 39. Last evaluated: 2023-10-07. Review status: criteria provided, single submitter. Criteria: ACMG Guidelines, 2015. Collection method: clinical testing. Allele origin: unknown.

Labcorp Genetics (formerly Invitae), Labcorp
Classification: Pathogenic. Last evaluated: 2022-11-24. Review status: criteria provided, single submitter. Criteria: Invitae Variant Classification Sherloc (09022015). Collection method: clinical testing. Allele origin: germline.
Comment: This sequence change creates a premature translational stop signal (p.Glu771Argfs*8) in the USH2A gene. It is expected to result in an absent or disrupted protein product. Loss-of-function variants in USH2A are known to be pathogenic (PMID: 10729113, 10909849, 20507924, 25649381). This variant is not present in population databases (gnomAD no frequency). This variant has not been reported in the literature in individuals affected with USH2A-related conditions. For these reasons, this variant has been classified as Pathogenic.

Literature cited by the submitters: PubMed 32188678 (cited by Natera, Inc.); PubMed 10729113 (cited by Labcorp Genetics (formerly Invitae), Labcorp); PubMed 10909849 (cited by Labcorp Genetics (formerly Invitae), Labcorp); PubMed 20507924 (cited by Labcorp Genetics (formerly Invitae), Labcorp); PubMed 25649381 (cited by Labcorp Genetics (formerly Invitae), Labcorp).

NM_206933.4(USH2A):c.2310dup (p.Glu771fs)

Genes: USH2A (usherin; minus strand), LOC122152296 (Sharpr-MPRA regulatory region 8762; plus strand). Cytogenetic location: 1q41.
Variant type: Duplication.
Coding change: c.2310dup on transcript NM_206933.4 (MANE Select); coding-DNA position 2310, one base duplicated (A; older notation c.2310dupA).
Protein change: p.Glu771fs; shifts the reading frame from glutamic acid 771.
Molecular consequence: frameshift variant.
Genome position (GRCh38, 1-based): chr1:216,247,084, T duplicated on the plus strand (A on the coding strand, the reverse complement: USH2A is on the minus strand); the first of 6 consecutive T bases (chr1:216,247,084-216,247,089); duplicating any one gives the same sequence. VCF-style (leftmost placement, unchanged base first): chr1-216247083-C-CT. GRCh37 (hg19) VCF-style: chr1-216420425-C-CT.
Other names: c.2310dup, p.Glu771fs (NM_007123.6); c.2310dupA (NM_206933.2); short protein forms E771fs.
Identifiers: ClinVar variation 2679451 (VCV002679451.5), dbSNP rs2036065933, ClinGen allele CA1220619243.